The following is an entry in ClinVar:

NM_003906.5(MCM3AP):c.5831C>T (p.Thr1944Met)

Genes: MCM3AP-AS1 (MCM3AP antisense RNA 1; plus strand), MCM3AP (minichromosome maintenance complex component 3 associated protein; minus strand). Cytogenetic location: 21q22.3.
Variant type: single nucleotide variant.
Coding change: c.5831C>T on transcript NM_003906.5 (MANE Select); coding-DNA position 5831, C replaced by T.
Protein change: p.Thr1944Met; replaces threonine 1944 with methionine.
Molecular consequence: missense variant.
Genome position (GRCh38, 1-based): chr21:46,235,380, G>A on the plus strand (C>T on the coding strand, the complement: MCM3AP is on the minus strand). VCF-style: chr21-46235380-G-A. GRCh37 (hg19) VCF-style: chr21-47655294-G-A.
Other names: p.Thr1944Met; short protein forms T1944M.
Identifiers: ClinVar variation 1413971 (VCV001413971.6), dbSNP rs141098252, ClinGen allele CA10075722.

ClinVar aggregate classification (germline): Uncertain significance. Review status: criteria provided, multiple submitters, no conflicts (2 of 4 stars). 3 submissions from 3 submitters: Uncertain significance (3). Last evaluated 2024-07-22.

Conditions:
Peripheral neuropathy, autosomal recessive, with or without impaired intellectual development. Identifiers: MedGen C4748283, MONDO:0029131, OMIM 618124.

Allele frequency attached by ClinVar (database versions not stated): TOPMed 0.00008; 1000 Genomes Project 30x 0.00031; ExAC 0.00003; gnomAD exomes 0.00003; gnomAD 0.00005 and 0.00007; ESP Exome Variant Server 0.00008; 1000 Genomes Project 0.00040.
gnomAD v4.1: 41 of 1,614,052 alleles (0.0025%); highest among the groups gnomAD compares: African/African-American, 0.027%; no homozygotes.

Submissions (3):

Mayo Clinic Laboratories, Mayo Clinic
Classification: Uncertain significance. Last evaluated: 2024-07-22. Review status: criteria provided, single submitter. Criteria: ACMG Guidelines, 2015. Collection method: clinical testing. Allele origin: germline. Observed: 1 variant allele.
Comment: BP4, PM2

Labcorp Genetics (formerly Invitae), Labcorp
Classification: Uncertain significance. Last evaluated: 2022-07-26. Review status: criteria provided, single submitter. Criteria: Invitae Variant Classification Sherloc (09022015). Collection method: clinical testing. Allele origin: germline.
Comment: This sequence change replaces threonine, which is neutral and polar, with methionine, which is neutral and non-polar, at codon 1944 of the MCM3AP protein (p.Thr1944Met). This variant is present in population databases (rs141098252, gnomAD 0.02%). This variant has not been reported in the literature in individuals affected with MCM3AP-related conditions. ClinVar contains an entry for this variant (Variation ID: 1413971). Algorithms developed to predict the effect of missense changes on protein structure and function output the following: SIFT: "Tolerated"; PolyPhen-2: "Benign"; Align-GVGD: "Class C0". The methionine amino acid residue is found in multiple mammalian species, which suggests that this missense change does not adversely affect protein function. In summary, the available evidence is currently insufficient to determine the role of this variant in disease. Therefore, it has been classified as a Variant of Uncertain Significance.

Revvity Omics, Revvity
Classification: Uncertain significance for Peripheral neuropathy, autosomal recessive, with or without impaired intellectual development. Last evaluated: 2021-11-25. Review status: criteria provided, single submitter. Criteria: ACMG Guidelines, 2015. Collection method: clinical testing. Allele origin: germline.